The following is an entry in ClinVar:

NM_020921.4(NIN):c.3499G>A (p.Glu1167Lys)

Gene: NIN (ninein; minus strand). Cytogenetic location: 14q22.1.
Variant type: single nucleotide variant.
Coding change: c.3499G>A on transcript NM_020921.4 (MANE Select); coding-DNA position 3499, G replaced by A.
Protein change: p.Glu1167Lys; replaces glutamic acid 1167 with lysine.
Molecular consequence: missense variant. On other transcripts: intron variant (1).
Genome position (GRCh38, 1-based): chr14:50,757,531, C>T on the plus strand (G>A on the coding strand, the complement: NIN is on the minus strand). VCF-style: chr14-50757531-C-T. GRCh37 (hg19) VCF-style: chr14-51224249-C-T.
Other names: c.3499G>A, p.Glu1167Lys (NM_182944.3, NM_182946.2); c.2399+2326G>A (NM_016350.5); short protein forms E1167K.
Identifiers: ClinVar variation 2471398 (VCV002471398.5), dbSNP rs143257327, ClinGen allele CA7181724.

ClinVar aggregate classification (germline): Uncertain significance. Review status: criteria provided, multiple submitters, no conflicts (2 of 4 stars). 2 submissions from 2 submitters: Uncertain significance (2). Last evaluated 2025-06-16.

Allele frequency attached by ClinVar (database versions not stated): gnomAD exomes 0.00007; ExAC 0.00008; ESP Exome Variant Server 0.00008; TOPMed 0.00003; gnomAD 0.00003.
gnomAD v4.1: 113 of 1,613,916 alleles (0.007%); highest among the groups gnomAD compares: Non-Finnish European, 0.0057%; no homozygotes.

Submissions (2):

Labcorp Genetics (formerly Invitae), Labcorp
Classification: Uncertain significance. Last evaluated: 2025-06-16. Review status: criteria provided, single submitter. Criteria: Invitae Variant Classification Sherloc (09022015). Collection method: clinical testing. Allele origin: germline.
Comment: This sequence change replaces glutamic acid, which is acidic and polar, with lysine, which is basic and polar, at codon 1167 of the NIN protein (p.Glu1167Lys). This variant is present in population databases (rs143257327, gnomAD 0.08%), and has an allele count higher than expected for a pathogenic variant. This variant has not been reported in the literature in individuals affected with NIN-related conditions. ClinVar contains an entry for this variant (Variation ID: 2471398). An algorithm developed to predict the effect of missense changes on protein structure and function (PolyPhen-2) suggests that this variant is likely to be tolerated. In summary, the available evidence is currently insufficient to determine the role of this variant in disease. Therefore, it has been classified as a Variant of Uncertain Significance.

Ambry Genetics
Classification: Uncertain significance. Last evaluated: 2025-02-01. Review status: criteria provided, single submitter. Criteria: Ambry Variant Classification Scheme 2023. Collection method: clinical testing. Allele origin: germline.